The following is an entry in ClinVar:

NM_001687.5(ATP5F1D):c.*7C>T

Genes: ATP5F1D (ATP synthase F1 subunit delta; plus strand), LOC130062904 (ATAC-STARR-seq lymphoblastoid silent region 9674; plus strand). Cytogenetic location: 19p13.3.
Variant type: single nucleotide variant.
Coding change: c.*7C>T on transcript NM_001687.5 (MANE Select); 7 bases downstream of the stop codon, C replaced by T.
Molecular consequence: 3 prime UTR variant. On other transcripts: intron variant (1).
Genome position (GRCh38, 1-based): chr19:1,244,444, C>T. VCF-style: chr19-1244444-C-T. GRCh37 (hg19) VCF-style: chr19-1244443-C-T.
Other names: c.*3+4C>T (NM_001001975.2).
Identifiers: ClinVar variation 4981779 (VCV004981779.1).

ClinVar aggregate classification (germline): Likely benign (1 of 4 stars; one submission).

Conditions:
ATP5F1D-related disorder. Also called: ATP5F1D-related condition.

gnomAD v4.1: 267 of 1,551,270 alleles (0.017%); highest among the groups gnomAD compares: Admixed American, 0.066%; no homozygotes.

Submission:

PreventionGenetics, part of Exact Sciences
Classification: Likely benign for ATP5F1D-related condition. Last evaluated: 2026-06-30. Review status: criteria provided, single submitter. Criteria: ACMG Guidelines, 2015. Collection method: clinical testing. Allele origin: germline.
Comment: This variant is classified as likely benign based on ACMG/AMP sequence variant interpretation guidelines (Richards et al. 2015 PMID: 25741868, with internal and published modifications).